The following is an entry in ClinVar:

ClinVar aggregate classification (germline): Uncertain significance (1 of 4 stars; one submission).

Conditions:
Intellectual developmental disorder, X-linked, syndromic 33. Also called: Intellectual disability, X-linked, syndromic 33; X-linked intellectual disability-global development delay-facial dysmorphism-sacral caudal remnant syndrome. Identifiers: Orphanet 480907, MedGen C4225418, MONDO:0010500, OMIM 300966.

Submission:

Baylor Genetics
Classification: Uncertain significance for Intellectual developmental disorder, X-linked, syndromic 33. Last evaluated: 2020-06-03. Review status: criteria provided, single submitter. Criteria: ACMG Guidelines, 2015. Collection method: clinical testing. Allele origin: unknown. Affected: yes.
Comment: This variant was determined to be of uncertain significance according to ACMG Guidelines, 2015 [PMID:25741868].

NM_004606.5(TAF1):c.290C>T (p.Ala97Val)

Gene: TAF1 (TATA-box binding protein associated factor 1; plus strand). Cytogenetic location: Xq13.1.
Variant type: single nucleotide variant.
Coding change: c.290C>T on transcript NM_004606.5 (MANE Select); coding-DNA position 290, C replaced by T.
Protein change: p.Ala97Val; replaces alanine 97 with valine.
Molecular consequence: missense variant. On other transcripts: non-coding transcript variant (9).
Genome position (GRCh38, 1-based): chrX:71,368,108, C>T. VCF-style: chrX-71368108-C-T. GRCh37 (hg19) VCF-style: chrX-70587958-C-T.
Other names: c.290C>T, p.Ala97Val (NM_138923.4, NM_001286074.2); short protein forms A97V.
Identifiers: ClinVar variation 1028277 (VCV001028277.1), dbSNP rs2032706255, ClinGen allele CA413505072.